The following is an entry in ClinVar:

NM_000506.5(F2):c.98A>C (p.Gln33Pro)

Gene: F2 (coagulation factor II, thrombin; plus strand). Cytogenetic location: 11p11.2.
Variant type: single nucleotide variant.
Coding change: c.98A>C on transcript NM_000506.5 (MANE Select); coding-DNA position 98, A replaced by C.
Protein change: p.Gln33Pro; replaces glutamine 33 with proline.
Molecular consequence: missense variant.
Genome position (GRCh38, 1-based): chr11:46,719,720, A>C. VCF-style: chr11-46719720-A-C. GRCh37 (hg19) VCF-style: chr11-46741270-A-C.
Other names: short protein forms Q33P.
Identifiers: ClinVar variation 806659 (VCV000806659.42), dbSNP rs1234951610, ClinGen allele CA380260354.

ClinVar aggregate classification (germline): Uncertain significance (1 of 4 stars; one submission).

Allele frequency attached by ClinVar (database versions not stated): gnomAD exomes below 0.00001; TOPMed below 0.00001; gnomAD 0.00001.
gnomAD v4.1: 2 of 1,593,474 alleles (0.00013%); highest among the groups gnomAD compares: Non-Finnish European, 0.00017%; no homozygotes.

Submission:

CeGaT Center for Human Genetics Tuebingen
Classification: Uncertain significance. Last evaluated: 2022-07-01. Review status: criteria provided, single submitter. Criteria: CeGaT Center For Human Genetics Tuebingen Variant Classification Criteria Version 2. Collection method: clinical testing. Allele origin: germline. Affected: yes. Observed: 2 variant alleles.
Comment: F2: PM2